The following is an entry in ClinVar:

ClinVar aggregate classification (germline): Pathogenic (1 of 4 stars; one submission).

Conditions:
Hypophosphatasia. Also called: Phosphoethanol-aminuria. Identifiers: Orphanet 436, MedGen C0020630, MeSH D007014, MONDO:0018570.

gnomAD v4.1: 1 of 1,614,048 alleles (0.000062%); no homozygotes.

Submission:

Genomenon, Inc
Classification: Pathogenic for Hypophosphatasia. Last evaluated: 2025-08-29. Review status: criteria provided, single submitter. Criteria: Genomenon Sequence Variant Interpretation Standards. Collection method: curation. Allele origin: germline. Affected: yes.
Comment: ALPL His341Gln (c.1023T>G) is a missense variant that changes the amino acid at residue 341 from Histidine to Glutamine. This variant has been observed in at least one proband affected with hypophosphatasia (PMID:31000369). Another cDNA variant that causes the same protein consequence has been determined to be pathogenic. This variant is absent or not present at a significant frequency in gnomAD. In silico models agree that this variant is possibly or probably damaging. In conclusion, we classify ALPL p.His341Gln (c.1023T>G) as a pathogenic variant.

Literature cited by the submitters: PubMed 31000369.

NM_000478.6(ALPL):c.1023T>G (p.His341Gln)

Gene: ALPL (alkaline phosphatase, biomineralization associated; plus strand). Cytogenetic location: 1p36.12.
Variant type: single nucleotide variant.
Coding change: c.1023T>G on transcript NM_000478.6 (MANE Select); coding-DNA position 1023, T replaced by G.
Protein change: p.His341Gln; replaces histidine 341 with glutamine.
Molecular consequence: missense variant.
Genome position (GRCh38, 1-based): chr1:21,575,758, T>G. VCF-style: chr1-21575758-T-G. GRCh37 (hg19) VCF-style: chr1-21902251-T-G.
Other names: c.858T>G, p.His286Gln (NM_001127501.4); c.792T>G, p.His264Gln (NM_001177520.3); c.1023T>G, p.His341Gln (NM_001369803.2, NM_001369804.2, NM_001369805.2); short protein forms H264Q, H286Q, H341Q.
Identifiers: ClinVar variation 4086859 (VCV004086859.1).